The following is an entry in ClinVar:

ClinVar aggregate classification (germline): Uncertain significance. Review status: criteria provided, multiple submitters, no conflicts (2 of 4 stars). 3 submissions from 3 submitters: Uncertain significance (3). Last evaluated 2024-11-22.

Conditions:
Inborn genetic diseases. Identifiers: MedGen C0950123, MeSH D030342.
Bardet-Biedl syndrome (BBS). Identifiers: Orphanet 110, MedGen C0752166, MONDO:0015229.

Allele frequency attached by ClinVar (database versions not stated): ExAC 0.00006; TOPMed 0.00004; gnomAD exomes 0.00002; gnomAD 0.00005.
gnomAD v4.1: 43 of 1,614,112 alleles (0.0027%); highest among the groups gnomAD compares: South Asian, 0.023%; no homozygotes.

Submissions (3):

Blueprint Genetics
Classification: Uncertain significance. Last evaluated: 2024-11-22. Review status: criteria provided, single submitter. Criteria: ACMG Guidelines, 2015. Collection method: clinical testing. Allele origin: germline.

Ambry Genetics
Classification: Uncertain significance for Inborn genetic diseases. Last evaluated: 2024-11-09. Review status: criteria provided, single submitter. Criteria: Ambry Variant Classification Scheme 2023. Collection method: clinical testing. Allele origin: germline.

Labcorp Genetics (formerly Invitae), Labcorp
Classification: Uncertain significance for Bardet-Biedl syndrome. Last evaluated: 2023-11-07. Review status: criteria provided, single submitter. Criteria: Invitae Variant Classification Sherloc (09022015). Collection method: clinical testing. Allele origin: germline.
Comment: This sequence change replaces arginine, which is basic and polar, with glutamine, which is neutral and polar, at codon 429 of the BBS1 protein (p.Arg429Gln). This variant is present in population databases (rs761581482, gnomAD 0.03%). This variant has not been reported in the literature in individuals affected with BBS1-related conditions. ClinVar contains an entry for this variant (Variation ID: 2079095). Advanced modeling of protein sequence and biophysical properties (such as structural, functional, and spatial information, amino acid conservation, physicochemical variation, residue mobility, and thermodynamic stability) performed at Invitae indicates that this missense variant is not expected to disrupt BBS1 protein function with a negative predictive value of 80%. In summary, the available evidence is currently insufficient to determine the role of this variant in disease. Therefore, it has been classified as a Variant of Uncertain Significance.

NM_024649.5(BBS1):c.1286G>A (p.Arg429Gln)

Genes: BBS1 (Bardet-Biedl syndrome 1; plus strand), ZDHHC24 (zDHHC palmitoyltransferase 24; minus strand). Cytogenetic location: 11q13.2.
Variant type: single nucleotide variant.
Coding change: c.1286G>A on transcript NM_024649.5 (MANE Select); coding-DNA position 1286, G replaced by A.
Protein change: p.Arg429Gln; replaces arginine 429 with glutamine.
Molecular consequence: missense variant. On other transcripts: intron variant (1).
Genome position (GRCh38, 1-based): chr11:66,526,754, G>A. VCF-style: chr11-66526754-G-A. GRCh37 (hg19) VCF-style: chr11-66294225-G-A.
Other names: c.*21+182C>T (NM_001348571.2); short protein forms R429Q.
Identifiers: ClinVar variation 2079095 (VCV002079095.4), dbSNP rs761581482, ClinGen allele CA6123689.